The following is an entry in ClinVar:

ClinVar aggregate classification (germline): Uncertain significance (1 of 4 stars; one submission).

Allele frequency attached by ClinVar (database versions not stated): ExAC 0.00001; gnomAD 0.00001; gnomAD exomes 0.00001 and 0.00002; TOPMed 0.00002.
gnomAD v4.1: 26 of 1,613,824 alleles (0.0016%); highest among the groups gnomAD compares: Non-Finnish European, 0.0021%; no homozygotes.

Submission:

Labcorp Genetics (formerly Invitae), Labcorp
Classification: Uncertain significance. Last evaluated: 2022-01-27. Review status: criteria provided, single submitter. Criteria: Invitae Variant Classification Sherloc (09022015). Collection method: clinical testing. Allele origin: germline.
Comment: In summary, the available evidence is currently insufficient to determine the role of this variant in disease. Therefore, it has been classified as a Variant of Uncertain Significance. This variant has not been reported in the literature in individuals affected with HMCN1-related conditions. This variant is present in population databases (rs767655388, gnomAD 0.003%). This sequence change creates a premature translational stop signal (p.Arg4050*) in the HMCN1 gene. It is expected to result in an absent or disrupted protein product. However, the current clinical and genetic evidence is not sufficient to establish whether loss-of-function variants in HMCN1 cause disease.

NM_031935.3(HMCN1):c.12148C>T (p.Arg4050Ter)

Gene: HMCN1 (hemicentin 1; plus strand). Cytogenetic location: 1q31.1.
Variant type: single nucleotide variant.
Coding change: c.12148C>T on transcript NM_031935.3 (MANE Select); coding-DNA position 12148, C replaced by T.
Protein change: p.Arg4050Ter; replaces arginine 4050 with a stop codon.
Molecular consequence: nonsense.
Genome position (GRCh38, 1-based): chr1:186,120,064, C>T. VCF-style: chr1-186120064-C-T. GRCh37 (hg19) VCF-style: chr1-186089196-C-T.
Other names: short protein forms R4050*.
Identifiers: ClinVar variation 1417947 (VCV001417947.6), dbSNP rs767655388, ClinGen allele CA1294277.